The following is an entry in ClinVar:

ClinVar aggregate classification (germline): Uncertain significance (1 of 4 stars; one submission).

Conditions:
Hereditary cancer-predisposing syndrome. Also called: Neoplastic Syndromes, Hereditary; Tumor predisposition; Hereditary Cancer Syndrome; Hereditary neoplastic syndrome. Identifiers: Orphanet 140162, MedGen C0027672, MeSH D009386, MONDO:0015356.

Allele frequency attached by ClinVar (database versions not stated): gnomAD exomes below 0.00001.
gnomAD v4.1: 1 of 1,613,686 alleles (0.000062%); highest among the groups gnomAD compares: Non-Finnish European, 0.000085%; no homozygotes.

Submission:

Ambry Genetics
Classification: Uncertain significance for Hereditary cancer-predisposing syndrome. Last evaluated: 2017-03-24. Review status: criteria provided, single submitter. Criteria: Ambry Variant Classification Scheme 2023. Collection method: clinical testing. Allele origin: germline.
Comment: The p.P991S variant (also known as c.2971C>T), located in coding exon 19 of the BRIP1 gene, results from a C to T substitution at nucleotide position 2971. The proline at codon 991 is replaced by serine, an amino acid with similar properties. This amino acid position is well conserved in available vertebrate species. In addition, the in silico prediction for this alteration is inconclusive. Since supporting evidence is limited at this time, the clinical significance of this alteration remains unclear.

NM_032043.3(BRIP1):c.2971C>T (p.Pro991Ser)

Gene: BRIP1 (BRCA1 interacting DNA helicase 1; minus strand). Cytogenetic location: 17q23.2.
Variant type: single nucleotide variant.
Coding change: c.2971C>T on transcript NM_032043.3 (MANE Select); coding-DNA position 2971, C replaced by T.
Protein change: p.Pro991Ser; replaces proline 991 with serine.
Molecular consequence: missense variant.
Genome position (GRCh38, 1-based): chr17:61,684,075, G>A on the plus strand (C>T on the coding strand, the complement: BRIP1 is on the minus strand). VCF-style: chr17-61684075-G-A. GRCh37 (hg19) VCF-style: chr17-59761436-G-A.
Other names: short protein forms P991S.
Identifiers: ClinVar variation 481665 (VCV000481665.5), dbSNP rs1555572936, ClinGen allele CA400480635.